The following is an entry in ClinVar:

ClinVar aggregate classification (germline): Uncertain significance (1 of 4 stars; one submission).

Conditions:
Inborn genetic diseases. Identifiers: MedGen C0950123, MeSH D030342.

gnomAD v4.1: 22 of 1,613,550 alleles (0.0014%); highest among the groups gnomAD compares: African/African-American, 0.011%; no homozygotes.

Submission:

Ambry Genetics
Classification: Uncertain significance for Inborn genetic diseases. Last evaluated: 2025-03-09. Review status: criteria provided, single submitter. Criteria: Ambry Variant Classification Scheme 2023. Collection method: clinical testing. Allele origin: germline.
Comment: The p.R332G variant (also known as c.994A>G), located in coding exon 4 of the SH2B3 gene, results from an A to G substitution at nucleotide position 994. The arginine at codon 332 is replaced by glycine, an amino acid with dissimilar properties. This amino acid position is conserved. In addition, this alteration is predicted to be tolerated by in silico analysis. Based on the available evidence, the clinical significance of this variant remains unclear.

NM_005475.3(SH2B3):c.994A>G (p.Arg332Gly)

Gene: SH2B3 (SH2B adaptor protein 3; plus strand). Cytogenetic location: 12q24.12.
Variant type: single nucleotide variant.
Coding change: c.994A>G on transcript NM_005475.3 (MANE Select); coding-DNA position 994, A replaced by G.
Protein change: p.Arg332Gly; replaces arginine 332 with glycine.
Molecular consequence: missense variant.
Genome position (GRCh38, 1-based): chr12:111,447,192, A>G. VCF-style: chr12-111447192-A-G. GRCh37 (hg19) VCF-style: chr12-111884996-A-G.
Other names: c.388A>G, p.Arg130Gly (NM_001291424.1); short protein forms R332G, R130G.
Identifiers: ClinVar variation 3795243 (VCV003795243.1).